The following is an entry in ClinVar:

NM_000929.3(PLA2G5):c.367C>T (p.Arg123Trp)

Gene: PLA2G5 (phospholipase A2 group V; plus strand). Cytogenetic location: 1p36.13.
Variant type: single nucleotide variant.
Coding change: c.367C>T on transcript NM_000929.3 (MANE Select); coding-DNA position 367, C replaced by T.
Protein change: p.Arg123Trp; replaces arginine 123 with tryptophan.
Molecular consequence: missense variant.
Genome position (GRCh38, 1-based): chr1:20,090,642, C>T. VCF-style: chr1-20090642-C-T. GRCh37 (hg19) VCF-style: chr1-20417135-C-T.
Other names: short protein forms R123W.
Identifiers: ClinVar variation 1469846 (VCV001469846.9), dbSNP rs755878705, ClinGen allele CA658279.

ClinVar aggregate classification (germline): Conflicting classifications of pathogenicity. Review status: criteria provided, conflicting classifications (1 of 4 stars). 2 submissions from 2 submitters: Uncertain significance (1); Likely benign (1). Last evaluated 2022-08-17.

Allele frequency attached by ClinVar (database versions not stated): ExAC 0.00002.
gnomAD v4.1: 7 of 1,613,826 alleles (0.00043%); highest among the groups gnomAD compares: East Asian, 0.0022%; no homozygotes.

Submissions (2):

Labcorp Genetics (formerly Invitae), Labcorp
Classification: Uncertain significance. Last evaluated: 2022-08-17. Review status: criteria provided, single submitter. Criteria: Invitae Variant Classification Sherloc (09022015). Collection method: clinical testing. Allele origin: germline.
Comment: In summary, the available evidence is currently insufficient to determine the role of this variant in disease. Therefore, it has been classified as a Variant of Uncertain Significance. Algorithms developed to predict the effect of missense changes on protein structure and function output the following: SIFT: "Deleterious"; PolyPhen-2: "Benign"; Align-GVGD: "Class C0". The tryptophan amino acid residue is found in multiple mammalian species, which suggests that this missense change does not adversely affect protein function. ClinVar contains an entry for this variant (Variation ID: 1469846). This variant has not been reported in the literature in individuals affected with PLA2G5-related conditions. This variant is present in population databases (rs755878705, gnomAD 0.007%). This sequence change replaces arginine, which is basic and polar, with tryptophan, which is neutral and slightly polar, at codon 123 of the PLA2G5 protein (p.Arg123Trp).

Blueprint Genetics
Classification: Likely benign. Last evaluated: 2018-12-21. Review status: criteria provided, single submitter. Criteria: ACMG Guidelines, 2015. Collection method: clinical testing. Allele origin: germline.